The following is an entry in ClinVar:

ClinVar aggregate classification (germline): Benign/Likely benign. Review status: criteria provided, multiple submitters, no conflicts (2 of 4 stars). 4 submissions from 3 submitters: Benign (2); Likely benign (2). Last evaluated 2023-03-01.

Conditions:
Idiopathic hypereosinophilic syndrome (HES). Identifiers: Orphanet 3260, MedGen C0206141, MONDO:0011895, OMIM 607685. Disease mechanism: gain of function.
Gastrointestinal stromal tumor. Also called: Gastrointestinal stromal tumor, somatic; Gastrointestinal stroma tumor. Identifiers: Orphanet 44890, MedGen C0238198, MeSH D046152, MONDO:0011719, OMIM 606764, HP:0100723.

Allele frequency attached by ClinVar (database versions not stated): 1000 Genomes Project 30x 0.00375; 1000 Genomes Project 0.00459; TOPMed 0.00804; gnomAD exomes 0.00846; gnomAD 0.00952 and 0.00967.
gnomAD v4.1: 2,141 of 233,546 alleles (0.92%); highest among the groups gnomAD compares: Non-Finnish European, 1.3%; 13 homozygotes.

Submissions (4):

CeGaT Center for Human Genetics Tuebingen
Classification: Benign. Last evaluated: 2023-03-01. Review status: criteria provided, single submitter. Criteria: CeGaT Center For Human Genetics Tuebingen Variant Classification Criteria Version 2. Collection method: clinical testing. Allele origin: germline. Affected: yes. Observed: 7 variant alleles.
Comment: PDGFRA: BS1, BS2

GeneDx
Classification: Likely benign. Last evaluated: 2021-12-06. Review status: criteria provided, single submitter. Criteria: GeneDx Variant Classification Process June 2021. Collection method: clinical testing. Allele origin: germline. Affected: yes.
Comment: See Variant Classification Assertion Criteria.

Illumina Laboratory Services, Illumina
Classification: Benign for Idiopathic hypereosinophilic syndrome. Last evaluated: 2018-01-13. Review status: criteria provided, single submitter. Criteria: ICSL Variant Classification Criteria 13 December 2019. Collection method: clinical testing. Allele origin: germline.
Comment: This variant was observed in the ICSL laboratory as part of a predisposition screen in an ostensibly healthy population. It had not been previously curated by ICSL or reported in the Human Gene Mutation Database (HGMD: prior to June 1st, 2018), and was therefore a candidate for classification through an automated scoring system. Utilizing variant allele frequency, disease prevalence and penetrance estimates, and inheritance mode, an automated score was calculated to assess if this variant is too frequent to cause the disease. Based on the score and internal cut-off values, a variant classified as benign is not then subjected to further curation. The score for this variant resulted in a classification of benign for this disease.

Illumina Laboratory Services, Illumina
Classification: Likely benign for Gastrointestinal stromal tumor. Last evaluated: 2018-01-13. Review status: criteria provided, single submitter. Criteria: ICSL Variant Classification Criteria 13 December 2019. Collection method: clinical testing. Allele origin: germline.
Comment: This variant was observed in the ICSL laboratory as part of a predisposition screen in an ostensibly healthy population. It had not been previously curated by ICSL or reported in the Human Gene Mutation Database (HGMD: prior to June 1st, 2018), and was therefore a candidate for classification through an automated scoring system. Utilizing variant allele frequency, disease prevalence and penetrance estimates, and inheritance mode, an automated score was calculated to assess if this variant is too frequent to cause the disease. Based on the score and internal cut-off values, a variant classified as likely benign is not then subjected to further curation. The score for this variant resulted in a classification of likely benign for this disease.

NM_006206.6(PDGFRA):c.*2504C>T

Gene: PDGFRA (platelet derived growth factor receptor alpha; plus strand). Cytogenetic location: 4q12.
Variant type: single nucleotide variant.
Coding change: c.*2504C>T on transcript NM_006206.6 (MANE Select); 2504 bases downstream of the stop codon, C replaced by T.
Molecular consequence: 3 prime UTR variant.
Genome position (GRCh38, 1-based): chr4:54,297,776, C>T. VCF-style: chr4-54297776-C-T. GRCh37 (hg19) VCF-style: chr4-55163943-C-T.
Other names: c.*2504C>T (NM_001347828.2, NM_001347829.2, NM_001347830.2).
Identifiers: ClinVar variation 348947 (VCV000348947.30), dbSNP rs149631103, ClinGen allele CA10621224.